The following is an entry in ClinVar:

ClinVar aggregate classification (germline): Pathogenic/Likely pathogenic. Review status: criteria provided, multiple submitters, no conflicts (2 of 4 stars). 2 submissions from 2 submitters: Pathogenic (1); Likely pathogenic (1). Last evaluated 2023-05-31.

Conditions:
Familial cancer of breast. Also called: Hereditary breast cancer; BREAST CANCER, FAMILIAL; hereditary breast carcinoma. Identifiers: Orphanet 227535, MedGen C0346153, MONDO:0016419, OMIM 114480. Disease mechanism: loss of function.

Submissions (2):

Myriad Genetics, Inc.
Classification: Pathogenic for Familial cancer of breast. Last evaluated: 2023-05-31. Review status: criteria provided, single submitter. Criteria: Myriad Autosomal Dominant, Autosomal Recessive and X-Linked Classification Criteria (2023). Collection method: clinical testing. Allele origin: unknown.
Comment: This variant is considered pathogenic. This variant creates a frameshift predicted to result in premature protein truncation.

Baylor Genetics
Classification: Likely pathogenic for Familial cancer of breast. Last evaluated: 2021-10-07. Review status: criteria provided, single submitter. Criteria: ACMG Guidelines, 2015. Collection method: clinical testing. Allele origin: unknown.

NM_032043.3(BRIP1):c.627dup (p.Pro210fs)

Gene: BRIP1 (BRCA1 interacting DNA helicase 1; minus strand). Cytogenetic location: 17q23.2.
Variant type: Duplication.
Coding change: c.627dup on transcript NM_032043.3 (MANE Select); coding-DNA position 627, one base duplicated (A; older notation c.627dupA).
Protein change: p.Pro210fs; shifts the reading frame from proline 210.
Molecular consequence: frameshift variant.
Genome position (GRCh38, 1-based): chr17:61,847,101, T duplicated on the plus strand (A on the coding strand, the reverse complement: BRIP1 is on the minus strand); the first of 3 consecutive T bases (chr17:61,847,101-61,847,103); duplicating any one gives the same sequence. VCF-style (leftmost placement, unchanged base first): chr17-61847100-C-CT. GRCh37 (hg19) VCF-style: chr17-59924461-C-CT.
Other names: short protein forms P210fs.
Identifiers: ClinVar variation 2583421 (VCV002583421.3), dbSNP rs1392582030, ClinGen allele CA773823948.
Genomic context (GRCh38, chr17:61,847,100, plus strand): 5'-ATTGGTTTAGAAAATTCCATATCTTCCTTCTTTAAAACTGAACAATGGCATTAATACATA[C>CT]TTTCTGTGGCGAAAAGGAGTTTATCTTTTCCAGTGGAGAGTTGAGTTTTACAGTCTTTCC-3'